The following is an entry in ClinVar:

ClinVar aggregate classification (germline): Likely benign. Review status: criteria provided, multiple submitters, no conflicts (2 of 4 stars). 2 submissions from 2 submitters: Likely benign (2). Last evaluated 2024-03-13.

Conditions:
Developmental and epileptic encephalopathy, 36 (DEE36). Also called: Congenital disorder of glycosylation, type Is; Epileptic encephalopathy, early infantile, 36; ALG13-CDG. Identifiers: Orphanet 324422, MedGen C4317295, MONDO:0010472, OMIM 300884.

Allele frequency attached by ClinVar (database versions not stated): ExAC 0.00001; gnomAD 0.00001; gnomAD exomes 0.00001 and 0.00002; TOPMed 0.00001.
gnomAD v4.1: 7 of 1,209,539 alleles (0.00058%); highest among the groups gnomAD compares: East Asian, 0.021%; no homozygotes.

Submissions (2):

Labcorp Genetics (formerly Invitae), Labcorp
Classification: Likely benign for Developmental and epileptic encephalopathy, 36. Last evaluated: 2024-03-13. Review status: criteria provided, single submitter. Criteria: Invitae Variant Classification Sherloc (09022015). Collection method: clinical testing. Allele origin: germline.

GeneDx
Classification: Likely benign. Last evaluated: 2016-08-02. Review status: criteria provided, single submitter. Criteria: GeneDx Variant Classification (06012015). Collection method: clinical testing. Allele origin: germline. Affected: yes.
Comment: This variant is considered likely benign or benign based on one or more of the following criteria: it is a conservative change, it occurs at a poorly conserved position in the protein, it is predicted to be benign by multiple in silico algorithms, and/or has population frequency not consistent with disease.

NM_001099922.3(ALG13):c.588T>G (p.Pro196=)

Gene: ALG13 (ALG13 UDP-N-acetylglucosaminyltransferase subunit; plus strand). Cytogenetic location: Xq23.
Variant type: single nucleotide variant.
Coding change: c.588T>G on transcript NM_001099922.3 (MANE Select); coding-DNA position 588, T replaced by G.
Protein change: p.Pro196=; no amino-acid change (proline 196 retained).
Molecular consequence: synonymous variant. On other transcripts: non-coding transcript variant (1).
Genome position (GRCh38, 1-based): chrX:111,708,231, T>G. VCF-style: chrX-111708231-T-G. GRCh37 (hg19) VCF-style: chrX-110951459-T-G.
Other names: c.276T>G, p.Pro92= (NM_001257230.2, NM_001257234.2, NM_001257237.2 and 1 more transcripts); c.354T>G, p.Pro118= (NM_001257231.2); c.588T>G, p.Pro196= (NM_001324292.2).
Identifiers: ClinVar variation 388195 (VCV000388195.4), dbSNP rs747214832, ClinGen allele CA10493555.